The following is an entry in ClinVar:

ClinVar aggregate classification (germline): Uncertain significance (1 of 4 stars; one submission).

gnomAD v4.1: 7 of 1,613,444 alleles (0.00043%); highest among the groups gnomAD compares: Admixed American, 0.0017%; no homozygotes.

Submission:

Mayo Clinic Laboratories, Mayo Clinic
Classification: Uncertain significance. Last evaluated: 2025-09-22. Review status: criteria provided, single submitter. Criteria: ACMG Guidelines, 2015. Collection method: clinical testing. Allele origin: germline. Observed: 1 variant allele.
Comment: BP4, PM2_supporting

NM_032620.4(GTPBP3):c.740G>A (p.Arg247His)

Gene: GTPBP3 (GTP binding protein 3, mitochondrial; plus strand). Cytogenetic location: 19p13.11.
Variant type: single nucleotide variant.
Coding change: c.740G>A on transcript NM_032620.4 (MANE Select); coding-DNA position 740, G replaced by A.
Protein change: p.Arg247His; replaces arginine 247 with histidine.
Molecular consequence: missense variant.
Genome position (GRCh38, 1-based): chr19:17,339,198, G>A. VCF-style: chr19-17339198-G-A. GRCh37 (hg19) VCF-style: chr19-17450007-G-A.
Other names: p.Arg279His; c.740G>A, p.Arg247His (NM_001128855.3); c.806G>A, p.Arg269His (NM_001195422.1); c.836G>A, p.Arg279His (NM_133644.4); short protein forms R269H, R247H, R279H.
Identifiers: ClinVar variation 4542332 (VCV004542332.1).